The following is an entry in ClinVar:

ClinVar aggregate classification (germline): Uncertain significance (1 of 4 stars; one submission).

gnomAD v4.1: 5 of 1,608,232 alleles (0.00031%); highest among the groups gnomAD compares: Admixed American, 0.0069%; no homozygotes.

Submission:

Labcorp Genetics (formerly Invitae), Labcorp
Classification: Uncertain significance. Last evaluated: 2024-11-14. Review status: criteria provided, single submitter. Criteria: Invitae Variant Classification Sherloc (09022015). Collection method: clinical testing. Allele origin: germline.
Comment: This sequence change replaces serine, which is neutral and polar, with proline, which is neutral and non-polar, at codon 88 of the TM4SF20 protein (p.Ser88Pro). This variant is present in population databases (rs746371456, gnomAD 0.01%). This variant has not been reported in the literature in individuals affected with TM4SF20-related conditions. An algorithm developed to predict the effect of missense changes on protein structure and function (PolyPhen-2) suggests that this variant is likely to be disruptive. In summary, the available evidence is currently insufficient to determine the role of this variant in disease. Therefore, it has been classified as a Variant of Uncertain Significance.

NM_024795.4(TM4SF20):c.262T>C (p.Ser88Pro)

Gene: TM4SF20 (transmembrane 4 L six family member 20; minus strand). Cytogenetic location: 2q36.3.
Variant type: single nucleotide variant.
Coding change: c.262T>C on transcript NM_024795.4 (MANE Select); coding-DNA position 262, T replaced by C.
Protein change: p.Ser88Pro; replaces serine 88 with proline.
Molecular consequence: missense variant.
Genome position (GRCh38, 1-based): chr2:227,366,232, A>G on the plus strand (T>C on the coding strand, the complement: TM4SF20 is on the minus strand). VCF-style: chr2-227366232-A-G. GRCh37 (hg19) VCF-style: chr2-228230948-A-G.
Other names: short protein forms S88P.
Identifiers: ClinVar variation 3630119 (VCV003630119.2).